The following is an entry in ClinVar:

NM_001199107.2(TBC1D24):c.579G>T (p.Ala193=)

Gene: TBC1D24 (TBC1 domain family member 24; plus strand). Cytogenetic location: 16p13.3.
Variant type: single nucleotide variant.
Coding change: c.579G>T on transcript NM_001199107.2 (MANE Select); coding-DNA position 579, G replaced by T.
Protein change: p.Ala193=; no amino-acid change (alanine 193 retained).
Molecular consequence: synonymous variant.
Genome position (GRCh38, 1-based): chr16:2,496,727, G>T. VCF-style: chr16-2496727-G-T. GRCh37 (hg19) VCF-style: chr16-2546728-G-T.
Other names: c.579G>T, p.Ala193= (NM_020705.3).
Identifiers: ClinVar variation 509237 (VCV000509237.1), dbSNP rs1394269760, ClinGen allele CA493367025.

ClinVar aggregate classification (germline): Likely benign (1 of 4 stars; one submission).

gnomAD v4.1: 1 of 1,613,776 alleles (0.000062%); no homozygotes.

Submission:

GeneDx
Classification: Likely benign. Last evaluated: 2017-04-27. Review status: criteria provided, single submitter. Criteria: GeneDx Variant Classification (06012015). Collection method: clinical testing. Allele origin: germline. Affected: yes.
Comment: This variant is considered likely benign or benign based on one or more of the following criteria: it is a conservative change, it occurs at a poorly conserved position in the protein, it is predicted to be benign by multiple in silico algorithms, and/or has population frequency not consistent with disease.